The following is an entry in ClinVar:

ClinVar aggregate classification (germline): Uncertain significance (1 of 4 stars; one submission).

Conditions:
Duchenne muscular dystrophy (DMD). Also called: Duchenne Muscular Dystrophy (DMD); MUSCULAR DYSTROPHY, PSEUDOHYPERTROPHIC PROGRESSIVE, DUCHENNE TYPE. Identifiers: Orphanet 98896, MedGen C0013264, MONDO:0010679, OMIM 310200.

gnomAD v4.1: 4 of 1,206,791 alleles (0.00033%); highest among the groups gnomAD compares: Non-Finnish European, 0.00045%; no homozygotes.

Submission:

Labcorp Genetics (formerly Invitae), Labcorp
Classification: Uncertain significance for Duchenne muscular dystrophy. Last evaluated: 2024-02-18. Review status: criteria provided, single submitter. Criteria: Invitae Variant Classification Sherloc (09022015). Collection method: clinical testing. Allele origin: germline.
Comment: This sequence change affects codon 1307 of the DMD mRNA. It is a 'silent' change, meaning that it does not change the encoded amino acid sequence of the DMD protein. It affects a nucleotide within the consensus splice site. This variant is present in population databases (rs753416782, gnomAD 0.001%). This variant has not been reported in the literature in individuals affected with DMD-related conditions. Algorithms developed to predict the effect of sequence changes on RNA splicing suggest that this variant is not likely to affect RNA splicing. In summary, the available evidence is currently insufficient to determine the role of this variant in disease. Therefore, it has been classified as a Variant of Uncertain Significance.

NM_004006.3(DMD):c.3921T>C (p.Asp1307=)

Gene: DMD (dystrophin; minus strand). Cytogenetic location: Xp21.1.
Variant type: single nucleotide variant.
Coding change: c.3921T>C on transcript NM_004006.3 (MANE Select); coding-DNA position 3921, T replaced by C.
Protein change: p.Asp1307=; no amino-acid change (aspartic acid 1307 retained).
Molecular consequence: synonymous variant.
Genome position (GRCh38, 1-based): chrX:32,441,180, A>G on the plus strand (T>C on the coding strand, the complement: DMD is on the minus strand). VCF-style: chrX-32441180-A-G. GRCh37 (hg19) VCF-style: chrX-32459297-A-G.
Other names: c.3897T>C, p.Asp1299= (NM_000109.4); c.3909T>C, p.Asp1303= (NM_004009.3); c.3552T>C, p.Asp1184= (NM_004010.3).
Identifiers: ClinVar variation 3716928 (VCV003716928.2).